The following is an entry in ClinVar:

NM_004456.5(EZH2):c.1054C>T (p.Pro352Ser)

Gene: EZH2 (enhancer of zeste 2 polycomb repressive complex 2 subunit; minus strand). Cytogenetic location: 7q36.1.
Variant type: single nucleotide variant.
Coding change: c.1054C>T on transcript NM_004456.5 (MANE Select); coding-DNA position 1054, C replaced by T.
Protein change: p.Pro352Ser; replaces proline 352 with serine.
Molecular consequence: missense variant.
Genome position (GRCh38, 1-based): chr7:148,818,063, G>A on the plus strand (C>T on the coding strand, the complement: EZH2 is on the minus strand). VCF-style: chr7-148818063-G-A. GRCh37 (hg19) VCF-style: chr7-148515155-G-A.
Other names: c.1039C>T, p.Pro347Ser (NM_001203247.2); c.1012C>T, p.Pro338Ser (NM_001203248.2, NM_001203249.2); c.922C>T, p.Pro308Ser (NM_152998.3); short protein forms P338S, P308S, P347S, P352S.
Identifiers: ClinVar variation 2966674 (VCV002966674.3), dbSNP rs1805061488, ClinGen allele CA369716903.
Genomic context (GRCh38, chr7:148,818,063, plus strand): 5'-TGCTGGGCCTGCTACTGTTATTGGGAAGCCGTCCTCTTCTGCGGCCTCCTGGACGTTTTG[G>A]TGGGGTCTTTATCCGCTCAGCGGTGAGAGCAGCAGCAAACTCCTTTGCTCCCTCCTACGA-3'
Protein context (NP_004447.2, residues 342-362): ALTAERIKTP[Pro352Ser]KRPGGRRRGR

ClinVar aggregate classification (germline): Uncertain significance (1 of 4 stars; one submission).

Conditions:
Weaver syndrome (WVS). Also called: Weaver Smith syndrome; Overgrowth syndrome with accelerated skeletal maturation, unusual facies, and camptodactyly. Identifiers: Orphanet 3447, MedGen C0265210, MONDO:0010193, OMIM 277590.

Allele frequency attached by ClinVar (database versions not stated): gnomAD exomes below 0.00001.
gnomAD v4.1: 2 of 1,613,846 alleles (0.00012%); highest among the groups gnomAD compares: Non-Finnish European, 0.00017%; no homozygotes.

Submission:

Labcorp Genetics (formerly Invitae), Labcorp
Classification: Uncertain significance for Weaver syndrome. Last evaluated: 2023-04-07. Review status: criteria provided, single submitter. Criteria: Invitae Variant Classification Sherloc (09022015). Collection method: clinical testing. Allele origin: germline.
Comment: This variant is not present in population databases (gnomAD no frequency). This sequence change replaces proline, which is neutral and non-polar, with serine, which is neutral and polar, at codon 352 of the EZH2 protein (p.Pro352Ser). This variant has not been reported in the literature in individuals affected with EZH2-related conditions. In summary, the available evidence is currently insufficient to determine the role of this variant in disease. Therefore, it has been classified as a Variant of Uncertain Significance. Advanced modeling of protein sequence and biophysical properties (such as structural, functional, and spatial information, amino acid conservation, physicochemical variation, residue mobility, and thermodynamic stability) performed at Invitae indicates that this missense variant is not expected to disrupt EZH2 protein function.